The following is an entry in ClinVar:

ClinVar aggregate classification (germline): Uncertain significance (1 of 4 stars; one submission).

Conditions:
Left-right axis malformations. Identifiers: MedGen C1866091.

Submission:

Labcorp Genetics (formerly Invitae), Labcorp
Classification: Uncertain significance for Left-right axis malformations. Last evaluated: 2024-01-19. Review status: criteria provided, single submitter. Criteria: Invitae Variant Classification Sherloc (09022015). Collection method: clinical testing. Allele origin: germline.
Comment: This sequence change replaces glutamine, which is neutral and polar, with histidine, which is basic and polar, at codon 349 of the LEFTY2 protein (p.Gln349His). This variant is not present in population databases (gnomAD no frequency). This variant has not been reported in the literature in individuals affected with LEFTY2-related conditions. Advanced modeling of protein sequence and biophysical properties (such as structural, functional, and spatial information, amino acid conservation, physicochemical variation, residue mobility, and thermodynamic stability) has been performed at Invitae for this missense variant, however the output from this modeling did not meet the statistical confidence thresholds required to predict the impact of this variant on LEFTY2 protein function. In summary, the available evidence is currently insufficient to determine the role of this variant in disease. Therefore, it has been classified as a Variant of Uncertain Significance.

NM_003240.5(LEFTY2):c.1047G>T (p.Gln349His)

Gene: LEFTY2 (left-right determination factor 2; minus strand). Cytogenetic location: 1q42.12.
Variant type: single nucleotide variant.
Coding change: c.1047G>T on transcript NM_003240.5 (MANE Select); coding-DNA position 1047, G replaced by T.
Protein change: p.Gln349His; replaces glutamine 349 with histidine.
Molecular consequence: missense variant.
Genome position (GRCh38, 1-based): chr1:225,937,495, C>A on the plus strand (G>T on the coding strand, the complement: LEFTY2 is on the minus strand). VCF-style: chr1-225937495-C-A. GRCh37 (hg19) VCF-style: chr1-226125195-C-A.
Other names: c.945G>T, p.Gln315His (NM_001172425.3); short protein forms Q315H, Q349H.
Identifiers: ClinVar variation 2885283 (VCV002885283.3), dbSNP rs1441011945, ClinGen allele CA345012769.